The following is an entry in ClinVar:

NM_005475.3(SH2B3):c.1712A>G (p.Gln571Arg)

Gene: SH2B3 (SH2B adaptor protein 3; plus strand). Cytogenetic location: 12q24.12.
Variant type: single nucleotide variant.
Coding change: c.1712A>G on transcript NM_005475.3 (MANE Select); coding-DNA position 1712, A replaced by G.
Protein change: p.Gln571Arg; replaces glutamine 571 with arginine.
Molecular consequence: missense variant.
Genome position (GRCh38, 1-based): chr12:111,448,286, A>G. VCF-style: chr12-111448286-A-G. GRCh37 (hg19) VCF-style: chr12-111886090-A-G.
Other names: c.1106A>G, p.Gln369Arg (NM_001291424.1); short protein forms Q571R, Q369R.
Identifiers: ClinVar variation 4630768 (VCV004630768.1).
Genomic context (GRCh38, chr12:111,448,286, plus strand): 5'-GGGACTCGGACTACGAAATGGACTCATCCTCCCGGAGCCACCTGCGGGCCATAGACAATC[A>G]GTACACACCTCTCTGACCAGTGAGGAATTCCAGGCCTCAACAGCTGCCCTTGAGGAGCAC-3'
Protein context (NP_005466.1, residues 561-575): SRSHLRAIDN[Gln571Arg]YTPL

ClinVar aggregate classification (germline): Uncertain significance (1 of 4 stars; one submission).

Conditions:
Inborn genetic diseases. Identifiers: MedGen C0950123, MeSH D030342.

Submission:

Ambry Genetics
Classification: Uncertain significance for Inborn genetic diseases. Last evaluated: 2025-11-26. Review status: criteria provided, single submitter. Criteria: Ambry Variant Classification Scheme 2023. Collection method: clinical testing. Allele origin: germline.
Comment: The p.Q571R variant (also known as c.1712A>G), located in coding exon 7 of the SH2B3 gene, results from an A to G substitution at nucleotide position 1712. The glutamine at codon 571 is replaced by arginine, an amino acid with highly similar properties. This amino acid position is conserved. In addition, the in silico prediction for this alteration is inconclusive. Based on the available evidence, the clinical significance of this variant remains unclear.